The following is an entry in ClinVar:

ClinVar aggregate classification (germline): Uncertain significance (1 of 4 stars; one submission).

Conditions:
Cardiovascular phenotype. Identifiers: MedGen CN230736.

Submission:

Ambry Genetics
Classification: Uncertain significance for Cardiovascular phenotype. Last evaluated: 2023-12-12. Review status: criteria provided, single submitter. Criteria: Ambry Variant Classification Scheme 2023. Collection method: clinical testing. Allele origin: germline.
Comment: The p.K930R variant (also known as c.2789A>G), located in coding exon 18 of the APOB gene, results from an A to G substitution at nucleotide position 2789. The lysine at codon 930 is replaced by arginine, an amino acid with highly similar properties. This amino acid position is conserved. In addition, this alteration is predicted to be tolerated by in silico analysis. Since supporting evidence is limited at this time, the clinical significance of this alteration remains unclear.

NM_000384.3(APOB):c.2789A>G (p.Lys930Arg)

Gene: APOB (apolipoprotein B; minus strand). Cytogenetic location: 2p24.1.
Variant type: single nucleotide variant.
Coding change: c.2789A>G on transcript NM_000384.3 (MANE Select); coding-DNA position 2789, A replaced by G.
Protein change: p.Lys930Arg; replaces lysine 930 with arginine.
Molecular consequence: missense variant.
Genome position (GRCh38, 1-based): chr2:21,022,858, T>C on the plus strand (A>G on the coding strand, the complement: APOB is on the minus strand). VCF-style: chr2-21022858-T-C. GRCh37 (hg19) VCF-style: chr2-21245730-T-C.
Other names: short protein forms K930R.
Identifiers: ClinVar variation 3231391 (VCV003231391.1), dbSNP rs2465406892, ClinGen allele CA346010524.